The following is an entry in ClinVar:

NM_021930.6(RINT1):c.1297A>G (p.Thr433Ala)

Gene: RINT1 (RAD50 interactor 1; plus strand). Cytogenetic location: 7q22.3.
Variant type: single nucleotide variant.
Coding change: c.1297A>G on transcript NM_021930.6 (MANE Select); coding-DNA position 1297, A replaced by G.
Protein change: p.Thr433Ala; replaces threonine 433 with alanine.
Molecular consequence: missense variant. On other transcripts: non-coding transcript variant (1).
Genome position (GRCh38, 1-based): chr7:105,550,450, A>G. VCF-style: chr7-105550450-A-G. GRCh37 (hg19) VCF-style: chr7-105190897-A-G.
Other names: c.1063A>G, p.Thr355Ala (NM_001346599.2); c.274A>G, p.Thr92Ala (NM_001346600.2, NM_001346603.2); c.373A>G, p.Thr125Ala (NM_001346601.2); short protein forms T433A, T92A, T355A, T125A.
Identifiers: ClinVar variation 4705359 (VCV004705359.1).
Genomic context (GRCh38, chr7:105,550,450, plus strand): 5'-CACAGTGTTCATGGCTATCCTGGCACTTTTGCTAGTTGTATGCATATTCTATCAGAGGAA[A>G]CCTGTTTTCAGAGATGGTTGACGGTGGAGAGAAAATGTAAGTGCTGATGTGGCCAGATGG-3'
Protein context (NP_068749.3, residues 423-443): ASCMHILSEE[Thr433Ala]CFQRWLTVER

ClinVar aggregate classification (germline): Uncertain significance (1 of 4 stars; one submission).

gnomAD v4.1: 1 of 1,613,958 alleles (0.000062%); highest among the groups gnomAD compares: Non-Finnish European, 0.000085%; no homozygotes.

Submission:

Labcorp Genetics (formerly Invitae), Labcorp
Classification: Uncertain significance. Last evaluated: 2026-01-30. Review status: criteria provided, single submitter. Criteria: Invitae Variant Classification Sherloc (09022015). Collection method: clinical testing. Allele origin: germline.
Comment: This sequence change replaces threonine, which is neutral and polar, with alanine, which is neutral and non-polar, at codon 433 of the RINT1 protein (p.Thr433Ala). This variant is not present in population databases (gnomAD no frequency). This variant has not been reported in the literature in individuals affected with RINT1-related conditions. An algorithm developed to predict the effect of missense changes on protein structure and function (PolyPhen-2) suggests that this variant is likely to be tolerated. In summary, the available evidence is currently insufficient to determine the role of this variant in disease. Therefore, it has been classified as a Variant of Uncertain Significance.